The following is an entry in ClinVar:

ClinVar aggregate classification (germline): Uncertain significance (1 of 4 stars; one submission).

Conditions:
Perlman syndrome (PRLMNS). Identifiers: Orphanet 2849, MedGen C0796113, MONDO:0009965, OMIM 267000.

Submission:

Labcorp Genetics (formerly Invitae), Labcorp
Classification: Uncertain significance for Perlman syndrome. Last evaluated: 2022-08-25. Review status: criteria provided, single submitter. Criteria: Invitae Variant Classification Sherloc (09022015). Collection method: clinical testing. Allele origin: germline.
Comment: This variant has not been reported in the literature in individuals affected with DIS3L2-related conditions. Algorithms developed to predict the effect of missense changes on protein structure and function output the following: SIFT: "Tolerated"; PolyPhen-2: "Benign"; Align-GVGD: "Class C0". The threonine amino acid residue is found in multiple mammalian species, which suggests that this missense change does not adversely affect protein function. In summary, the available evidence is currently insufficient to determine the role of this variant in disease. Therefore, it has been classified as a Variant of Uncertain Significance. This variant is not present in population databases (gnomAD no frequency). This sequence change replaces serine, which is neutral and polar, with threonine, which is neutral and polar, at codon 521 of the DIS3L2 protein (p.Ser521Thr).

NM_152383.5(DIS3L2):c.1562G>C (p.Ser521Thr)

Gene: DIS3L2 (DIS3 like 3'-5' exoribonuclease 2; plus strand). Cytogenetic location: 2q37.1.
Variant type: single nucleotide variant.
Coding change: c.1562G>C on transcript NM_152383.5 (MANE Select); coding-DNA position 1562, G replaced by C.
Protein change: p.Ser521Thr; replaces serine 521 with threonine.
Molecular consequence: missense variant. On other transcripts: non-coding transcript variant (2).
Genome position (GRCh38, 1-based): chr2:232,263,343, G>C. VCF-style: chr2-232263343-G-C. GRCh37 (hg19) VCF-style: chr2-233128053-G-C.
Other names: c.1562G>C, p.Ser521Thr (NM_001257281.2); short protein forms S521T.
Identifiers: ClinVar variation 2107925 (VCV002107925.4), dbSNP rs2470079434, ClinGen allele CA350975531.